The following is an entry in ClinVar:

NM_003331.5(TYK2):c.1011+20C>T

Gene: TYK2 (tyrosine kinase 2; minus strand). Cytogenetic location: 19p13.2.
Variant type: single nucleotide variant.
Coding change: c.1011+20C>T on transcript NM_003331.5 (MANE Select); 20 bases into the intron after coding-DNA position 1011, C replaced by T.
Molecular consequence: intron variant.
Genome position (GRCh38, 1-based): chr19:10,365,497, G>A on the plus strand (C>T on the coding strand, the complement: TYK2 is on the minus strand). VCF-style: chr19-10365497-G-A. GRCh37 (hg19) VCF-style: chr19-10476173-G-A.
Other names: c.1011+20C>T (LRG_121t1).
Identifiers: ClinVar variation 389797 (VCV000389797.8), dbSNP rs747045647, ClinGen allele CA9193567.

ClinVar aggregate classification (germline): Likely benign. Review status: criteria provided, multiple submitters, no conflicts (2 of 4 stars). 2 submissions from 2 submitters: Likely benign (2). Last evaluated 2025-09-30.

Conditions:
Immunodeficiency 35 (IMD35). Also called: Susceptibility to infection due to TYK2 deficiency; TYK2 DEFICIENCY; HIES WITH ATYPICAL MYCOBACTERIOSIS, AUTOSOMAL RECESSIVE; HYPER-IgE SYNDROME WITH ATYPICAL MYCOBACTERIOSIS, AUTOSOMAL RECESSIVE. Identifiers: Orphanet 331226, MedGen C1969086, MONDO:0012682, OMIM 611521.

Allele frequency attached by ClinVar (database versions not stated): ExAC 0.00003; gnomAD 0.00004; TOPMed 0.00005.
gnomAD v4.1: 56 of 1,613,248 alleles (0.0035%); highest among the groups gnomAD compares: African/African-American, 0.012%; no homozygotes.

Submissions (2):

Labcorp Genetics (formerly Invitae), Labcorp
Classification: Likely benign for Immunodeficiency 35. Last evaluated: 2025-09-30. Review status: criteria provided, single submitter. Criteria: Invitae Variant Classification Sherloc (09022015). Collection method: clinical testing. Allele origin: germline.

GeneDx
Classification: Likely benign. Last evaluated: 2016-10-04. Review status: criteria provided, single submitter. Criteria: GeneDx Variant Classification (06012015). Collection method: clinical testing. Allele origin: germline. Affected: yes.
Comment: This variant is considered likely benign or benign based on one or more of the following criteria: it is a conservative change, it occurs at a poorly conserved position in the protein, it is predicted to be benign by multiple in silico algorithms, and/or has population frequency not consistent with disease.